The following is an entry in ClinVar:

ClinVar aggregate classification (germline): Uncertain significance (1 of 4 stars; one submission).

Conditions:
Bethlem myopathy 1A. Also called: Bethlem Muscular Dystrophy; Bethlem myopathy 1; MYOPATHY, BENIGN CONGENITAL, WITH CONTRACTURES. Identifiers: Orphanet 610, MedGen CN029274, MONDO:0024530, OMIM 158810.

Submission:

Labcorp Genetics (formerly Invitae), Labcorp
Classification: Uncertain significance for Bethlem myopathy 1A. Last evaluated: 2022-09-06. Review status: criteria provided, single submitter. Criteria: Invitae Variant Classification Sherloc (09022015). Collection method: clinical testing. Allele origin: germline.
Comment: In summary, the available evidence is currently insufficient to determine the role of this variant in disease. Therefore, it has been classified as a Variant of Uncertain Significance. Advanced modeling of protein sequence and biophysical properties (such as structural, functional, and spatial information, amino acid conservation, physicochemical variation, residue mobility, and thermodynamic stability) performed at Invitae indicates that this missense variant is not expected to disrupt COL6A2 protein function. ClinVar contains an entry for this variant (Variation ID: 960902). This variant has not been reported in the literature in individuals affected with COL6A2-related conditions. This variant is not present in population databases (gnomAD no frequency). This sequence change replaces arginine, which is basic and polar, with leucine, which is neutral and non-polar, at codon 933 of the COL6A2 protein (p.Arg933Leu).

NM_001849.4(COL6A2):c.2798G>T (p.Arg933Leu)

Gene: COL6A2 (collagen type VI alpha 2 chain; plus strand). Cytogenetic location: 21q22.3.
Variant type: single nucleotide variant.
Coding change: c.2798G>T on transcript NM_001849.4 (MANE Select); coding-DNA position 2798, G replaced by T.
Protein change: p.Arg933Leu; replaces arginine 933 with leucine.
Molecular consequence: missense variant.
Genome position (GRCh38, 1-based): chr21:46,132,290, G>T. VCF-style: chr21-46132290-G-T. GRCh37 (hg19) VCF-style: chr21-47552204-G-T.
Other names: short protein forms R933L.
Identifiers: ClinVar variation 960902 (VCV000960902.10), dbSNP rs374384263, ClinGen allele CA410549766.
Genomic context (GRCh38, chr21:46,132,290, plus strand): 5'-CCTTCTCGCACGTGGGCGCAGGCGTGGTGCACGCCATCAATGCCATCGTGCGCAGCCCGC[G>T]TGGCGGGGCCCGGAGGCACGCAGAGCTGTCCTTCGTGTTCCTCACGGACGGCGTCACGGG-3'
Protein context (NP_001840.3, residues 923-943): HAINAIVRSP[Arg933Leu]GGARRHAELS